The following is an entry in ClinVar:

NM_000057.4(BLM):c.4081T>C (p.Ser1361Pro)

Gene: BLM (BLM RecQ like helicase; plus strand). Cytogenetic location: 15q26.1.
Variant type: single nucleotide variant.
Coding change: c.4081T>C on transcript NM_000057.4 (MANE Select); coding-DNA position 4081, T replaced by C.
Protein change: p.Ser1361Pro; replaces serine 1361 with proline.
Molecular consequence: missense variant.
Genome position (GRCh38, 1-based): chr15:90,815,106, T>C. VCF-style: chr15-90815106-T-C. GRCh37 (hg19) VCF-style: chr15-91358336-T-C.
Other names: c.4081T>C, p.Ser1361Pro (NM_001287246.2); c.3688T>C, p.Ser1230Pro (NM_001287247.2); c.2956T>C, p.Ser986Pro (NM_001287248.2); short protein forms S986P, S1230P, S1361P.
Identifiers: ClinVar variation 1737639 (VCV001737639.5), dbSNP rs2505575009, ClinGen allele CA393852033.

ClinVar aggregate classification (germline): Uncertain significance. Review status: criteria provided, multiple submitters, no conflicts (2 of 4 stars). 2 submissions from 2 submitters: Uncertain significance (2). Last evaluated 2023-12-17.

Conditions:
Hereditary cancer-predisposing syndrome. Also called: Neoplastic Syndromes, Hereditary; Tumor predisposition; Hereditary Cancer Syndrome; Hereditary neoplastic syndrome. Identifiers: Orphanet 140162, MedGen C0027672, MeSH D009386, MONDO:0015356.
Bloom syndrome (BLM). Also called: Bloom-Torre-Machacek syndrome. Identifiers: Orphanet 125, MedGen C0005859, MONDO:0008876, OMIM 210900.

Submissions (2):

Labcorp Genetics (formerly Invitae), Labcorp
Classification: Uncertain significance for Bloom syndrome. Last evaluated: 2023-12-17. Review status: criteria provided, single submitter. Criteria: Invitae Variant Classification Sherloc (09022015). Collection method: clinical testing. Allele origin: germline.
Comment: This sequence change replaces serine, which is neutral and polar, with proline, which is neutral and non-polar, at codon 1361 of the BLM protein (p.Ser1361Pro). This variant is not present in population databases (gnomAD no frequency). This variant has not been reported in the literature in individuals affected with BLM-related conditions. ClinVar contains an entry for this variant (Variation ID: 1737639). Advanced modeling of protein sequence and biophysical properties (such as structural, functional, and spatial information, amino acid conservation, physicochemical variation, residue mobility, and thermodynamic stability) performed at Invitae indicates that this missense variant is not expected to disrupt BLM protein function with a negative predictive value of 80%. In summary, the available evidence is currently insufficient to determine the role of this variant in disease. Therefore, it has been classified as a Variant of Uncertain Significance.

Ambry Genetics
Classification: Uncertain significance for Hereditary cancer-predisposing syndrome. Last evaluated: 2021-11-13. Review status: criteria provided, single submitter. Criteria: Ambry Variant Classification Scheme 2023. Collection method: clinical testing. Allele origin: germline.
Comment: The p.S1361P variant (also known as c.4081T>C), located in coding exon 21 of the BLM gene, results from a T to C substitution at nucleotide position 4081. The serine at codon 1361 is replaced by proline, an amino acid with similar properties. This amino acid position is conserved. In addition, this alteration is predicted to be tolerated by in silico analysis. Since supporting evidence is limited at this time, the clinical significance of this alteration remains unclear.